The following is an entry in ClinVar:

ClinVar aggregate classification (germline): Uncertain significance. Review status: criteria provided, multiple submitters, no conflicts (2 of 4 stars). 4 submissions from 4 submitters: Uncertain significance (4). Last evaluated 2026-08-04.

Conditions:
Alstrom syndrome (ALMS). Identifiers: Orphanet 64, MedGen C0268425, MONDO:0008763, OMIM 203800.
Cardiovascular phenotype. Identifiers: MedGen CN230736.

Allele frequency attached by ClinVar (database versions not stated): gnomAD exomes 0.00001; TOPMed 0.00003.
gnomAD v4.1: 16 of 1,614,078 alleles (0.00099%); highest among the groups gnomAD compares: Non-Finnish European, 0.0012%; no homozygotes.

Submissions (4):

Ambry Genetics
Classification: Uncertain significance for Cardiovascular phenotype. Last evaluated: 2026-08-04. Review status: criteria provided, single submitter. Criteria: Ambry Variant Classification Scheme 2023. Collection method: clinical testing. Allele origin: germline.
Comment: The p.G2560V variant (also known as c.7679G>T), located in coding exon 10 of the ALMS1 gene, results from a G to T substitution at nucleotide position 7679. The glycine at codon 2560 is replaced by valine, an amino acid with dissimilar properties. This amino acid position is not well conserved in available vertebrate species. In addition, this alteration is predicted to be tolerated by in silico analysis. Based on the available evidence, the clinical significance of this variant remains unclear.

GeneDx
Classification: Uncertain significance. Last evaluated: 2024-12-18. Review status: criteria provided, single submitter. Criteria: GeneDx Variant Classification Process June 2021. Collection method: clinical testing. Allele origin: germline. Affected: yes.
Comment: Not observed at significant frequency in large population cohorts (gnomAD); In silico analysis supports that this missense variant has a deleterious effect on protein structure/function; Has not been previously published as pathogenic or benign to our knowledge

Labcorp Genetics (formerly Invitae), Labcorp
Classification: Uncertain significance for Alstrom syndrome. Last evaluated: 2022-06-10. Review status: criteria provided, single submitter. Criteria: Invitae Variant Classification Sherloc (09022015). Collection method: clinical testing. Allele origin: germline.
Comment: This sequence change replaces glycine, which is neutral and non-polar, with valine, which is neutral and non-polar, at codon 2560 of the ALMS1 protein (p.Gly2560Val). This variant is not present in population databases (gnomAD no frequency). This variant has not been reported in the literature in individuals affected with ALMS1-related conditions. Experimental studies and prediction algorithms are not available or were not evaluated, and the functional significance of this variant is currently unknown. In summary, the available evidence is currently insufficient to determine the role of this variant in disease. Therefore, it has been classified as a Variant of Uncertain Significance.

Blueprint Genetics
Classification: Uncertain significance. Last evaluated: 2021-11-07. Review status: criteria provided, single submitter. Criteria: ACMG Guidelines, 2015. Collection method: clinical testing. Allele origin: germline.

NM_001378454.1(ALMS1):c.7676G>T (p.Gly2559Val)

Gene: ALMS1 (ALMS1 centrosome and basal body associated protein; plus strand). Cytogenetic location: 2p13.1.
Variant type: single nucleotide variant.
Coding change: c.7676G>T on transcript NM_001378454.1 (MANE Select); coding-DNA position 7676, G replaced by T.
Protein change: p.Gly2559Val; replaces glycine 2559 with valine.
Molecular consequence: missense variant.
Genome position (GRCh38, 1-based): chr2:73,489,635, G>T. VCF-style: chr2-73489635-G-T. GRCh37 (hg19) VCF-style: chr2-73716762-G-T.
Other names: c.7679G>T, p.Gly2560Val (NM_015120.4); short protein forms G2560V, G2559V.
Identifiers: ClinVar variation 2038305 (VCV002038305.4), dbSNP rs1248528012, ClinGen allele CA347263831.
Genomic context (GRCh38, chr2:73,489,635, plus strand): 5'-ATTTGTTTATAACTACTTGGACTACTTCAAATAAGAACCTGTTTGTTTGTATCTTCTAGG[G>T]TTTACAGAGTCCACGGGGAATGGGATGCAAGCCAGAAGCTGTATGTAGTCACATTATTAT-3'
Protein context (NP_001365383.1, residues 2549-2569): GHGRTTDLSK[Gly2559Val]LQSPRGMGCK